The following is an entry in ClinVar:

ClinVar aggregate classification (germline): Likely benign (1 of 4 stars; one submission).

Conditions:
Complex neurodevelopmental disorder. Identifiers: Orphanet 528084, MedGen C5568766, MONDO:0100038.

Submission:

Centre for Medical Genetics,  Mumbai
Classification: Likely benign for Complex neurodevelopmental disorder. Last evaluated: 2026-04-09. Review status: criteria provided, single submitter. Criteria: ACMG Guidelines, 2015. Collection method: provider interpretation. Allele origin: germline. Affected: no. Observed: 1 variant allele, 1 heterozygote.
Comment: The variant satisfies PVS1 criteria - null variant in a gene where loss of function is a known mechanism of disease. The variant satisfies PM2 criteria - extremely low frequency in gnomAD population databases. However, the variant satisfies BS2 criteria - present in heterozygous state in an individual that clinically does not have complex neurodevelopmental disorder.

Literature cited by the submitters: DOI 10.1002/ajmg.c.32087.

NM_018918.3(PCDHGA5):c.1873G>T (p.Glu625Ter)

Genes: PCDHG@ (protocadherin gamma cluster; plus strand), PCDHGA1 (protocadherin gamma subfamily A, 1; plus strand), PCDHGA2 (protocadherin gamma subfamily A, 2; plus strand), PCDHGA3 (protocadherin gamma subfamily A, 3; plus strand), PCDHGA4 (protocadherin gamma subfamily A, 4; plus strand) and 3 more. Cytogenetic location: 5q31.3.
Variant type: single nucleotide variant.
Coding change: c.1873G>T on transcript NM_018918.3 (MANE Select); coding-DNA position 1873, G replaced by T.
Protein change: p.Glu625Ter; replaces glutamic acid 625 with a stop codon.
Molecular consequence: nonsense. On other transcripts: intron variant (6).
Genome position (GRCh38, 1-based): chr5:141,366,203, G>T. VCF-style: chr5-141366203-G-T. GRCh37 (hg19) VCF-style: chr5-140745770-G-T.
Other names: c.1873G>T, p.Glu625Ter (NM_032054.2); c.2421+33098G>T (NM_018912.3); c.2424+24808G>T (NM_018915.4); c.2424+19746G>T (NM_018916.4); c.2409+13534G>T (NM_018922.3); c.2514+8582G>T (NM_018917.4); c.2421+3647G>T (NM_018923.3); short protein forms E625*.
Identifiers: ClinVar variation 4851347 (VCV004851347.1).
Genomic context (GRCh38, chr5:141,366,203, plus strand): 5'-TCCTACCGCCTGCTTAAGGCCAGCGAGCCAGGACTCTTTGCGGTTGGGCTGCACACGGGC[G>T]AGGTGCGCACAGCGCGAGCCCTGCTGGACAGAGACGCGCTCAAGCAGAGCCTCGTGGTGG-3'